The following is an entry in ClinVar:

NM_001017995.3(SH3PXD2B):c.1372A>G (p.Asn458Asp)

Gene: SH3PXD2B (SH3 and PX domains 2B; minus strand). Cytogenetic location: 5q35.1.
Variant type: single nucleotide variant.
Coding change: c.1372A>G on transcript NM_001017995.3 (MANE Select); coding-DNA position 1372, A replaced by G.
Protein change: p.Asn458Asp; replaces asparagine 458 with aspartic acid.
Molecular consequence: missense variant. On other transcripts: intron variant (1).
Genome position (GRCh38, 1-based): chr5:172,339,733, T>C on the plus strand (A>G on the coding strand, the complement: SH3PXD2B is on the minus strand). VCF-style: chr5-172339733-T-C. GRCh37 (hg19) VCF-style: chr5-171766737-T-C.
Other names: c.1188+6403A>G (NM_001308175.2); short protein forms N458D.
Identifiers: ClinVar variation 1308779 (VCV001308779.2), dbSNP rs2113256198, ClinGen allele CA362148253.

ClinVar aggregate classification (germline): Uncertain significance (1 of 4 stars; one submission).

Submission:

GeneDx
Classification: Uncertain significance. Last evaluated: 2019-09-19. Review status: criteria provided, single submitter. Criteria: GeneDx Variant Classification Process June 2021. Collection method: clinical testing. Allele origin: germline. Affected: yes.
Comment: Not observed in large population cohorts (Lek et al., 2016); In silico analysis, which includes protein predictors and evolutionary conservation, supports that this variant does not alter protein structure/function; Has not been previously published as pathogenic or benign to our knowledge